The following is an entry in ClinVar:

NC_000017.10:g.(?_79477716)_(79504106_?)dup

Genes: ACTG1 (actin gamma 1; minus strand), FSCN2 (fascin actin-bundling protein 2, retinal; plus strand). Cytogenetic location: 17q25.3.
Variant type: Duplication.
Identifiers: ClinVar variation 2423597 (VCV002423597.3).

ClinVar aggregate classification (germline): Uncertain significance (1 of 4 stars; one submission).

Submission:

Labcorp Genetics (formerly Invitae), Labcorp
Classification: Uncertain significance. Last evaluated: 2022-08-02. Review status: criteria provided, single submitter. Criteria: Invitae Variant Classification Sherloc (09022015). Collection method: clinical testing. Allele origin: germline.
Comment: A copy number gain of the genomic region encompassing the full coding sequence of the FSCN2 gene has been identified. The boundaries of this event are unknown as they extend beyond the assayed region for this gene and therefore may encompass additional genes. As the precise location of this event is unknown, it may be in tandem or it may be located elsewhere in the genome. This variant has not been reported in the literature in individuals affected with FSCN2-related conditions. In summary, the available evidence is currently insufficient to determine the role of this variant in disease. Therefore, it has been classified as a Variant of Uncertain Significance.